The following is an entry in ClinVar:

NM_032119.4(ADGRV1):c.1476A>G (p.Ile492Met)

Gene: ADGRV1 (adhesion G protein-coupled receptor V1; plus strand). Cytogenetic location: 5q14.3.
Variant type: single nucleotide variant.
Coding change: c.1476A>G on transcript NM_032119.4 (MANE Select); coding-DNA position 1476, A replaced by G.
Protein change: p.Ile492Met; replaces isoleucine 492 with methionine.
Molecular consequence: missense variant. On other transcripts: non-coding transcript variant (1).
Genome position (GRCh38, 1-based): chr5:90,628,799, A>G. VCF-style: chr5-90628799-A-G. GRCh37 (hg19) VCF-style: chr5-89924616-A-G.
Other names: short protein forms I492M.
Identifiers: ClinVar variation 1319011 (VCV001319011.2), dbSNP rs1765128536, ClinGen allele CA360372765.

ClinVar aggregate classification (germline): Uncertain significance (1 of 4 stars; one submission).

Allele frequency attached by ClinVar (database versions not stated): TOPMed below 0.00001.

Submission:

GeneDx
Classification: Uncertain significance. Last evaluated: 2019-06-04. Review status: criteria provided, single submitter. Criteria: GeneDx Variant Classification Process June 2021. Collection method: clinical testing. Allele origin: germline. Affected: yes.
Comment: Not observed in large population cohorts (Lek et al., 2016); In silico analysis, which includes protein predictors and evolutionary conservation, supports that this variant does not alter protein structure/function